The following is an entry in ClinVar:

ClinVar aggregate classification (germline): Conflicting classifications of pathogenicity. Review status: criteria provided, conflicting classifications (1 of 4 stars). 2 submissions from 2 submitters: Pathogenic (1); Uncertain significance (1). Last evaluated 2025-10-29.

Conditions:
Inborn genetic diseases. Identifiers: MedGen C0950123, MeSH D030342.

Submissions (2):

GeneDx
Classification: Pathogenic. Last evaluated: 2025-10-29. Review status: criteria provided, single submitter. Criteria: GeneDx Variant Classification Process June 2021. Collection method: clinical testing. Allele origin: germline.
Comment: Not observed at significant frequency in large population cohorts (gnomAD); In silico analysis supports that this missense variant has a deleterious effect on protein structure/function; Has not been previously published as pathogenic or benign to our knowledge

Ambry Genetics
Classification: Uncertain significance for Inborn genetic diseases. Last evaluated: 2017-12-15. Review status: criteria provided, single submitter. Criteria: Ambry Variant Classification Scheme 2023. Collection method: clinical testing. Allele origin: germline.
Comment: The p.M99T variant (also known as c.296T>C), located in coding exon 4 of the RPS6KA3 gene, results from a T to C substitution at nucleotide position 296. The methionine at codon 99 is replaced by threonine, an amino acid with similar properties. This amino acid position is highly conserved in available vertebrate species. In addition, this alteration is predicted to be deleterious by in silico analysis. Since supporting evidence is limited at this time, the clinical significance of this alteration remains unclear.

NM_004586.3(RPS6KA3):c.296T>C (p.Met99Thr)

Gene: RPS6KA3 (ribosomal protein S6 kinase A3; minus strand). Cytogenetic location: Xp22.12.
Variant type: single nucleotide variant.
Coding change: c.296T>C on transcript NM_004586.3 (MANE Select); coding-DNA position 296, T replaced by C.
Protein change: p.Met99Thr; replaces methionine 99 with threonine.
Molecular consequence: missense variant.
Genome position (GRCh38, 1-based): chrX:20,204,051, A>G on the plus strand (T>C on the coding strand, the complement: RPS6KA3 is on the minus strand). VCF-style: chrX-20204051-A-G. GRCh37 (hg19) VCF-style: chrX-20222169-A-G.
Other names: short protein forms M99T.
Identifiers: ClinVar variation 1798275 (VCV001798275.4), dbSNP rs2519797915, ClinGen allele CA412511523.
Genomic context (GRCh38, chrX:20,204,051, plus strand): 5'-CATGAACATTACAAATAGCAGCAACACTTACCTTTCAGTGTGGCCTTCTTCAATACCTTC[A>G]TGGCATAAAGCTGCCTAGCATCAGAGCCTGAGATTTTTTTAACTAAGAAAACCTGCATTT-3'
Protein context (NP_004577.1, residues 89-109): SGSDARQLYA[Met99Thr]KVLKKATLKV